The following is an entry in ClinVar:

ClinVar aggregate classification (germline): Uncertain significance (1 of 4 stars; one submission).

Submission:

Athena Diagnostics
Classification: Uncertain significance. Last evaluated: 2021-03-03. Review status: criteria provided, single submitter. Criteria: Athena Diagnostics Criteria. Collection method: clinical testing. Allele origin: unknown.
Comment: This observation is not an independent occurrence and has been identified in the same individual by RCIGM, the other laboratory participating in the GEMINI study.

NM_000287.4(PEX6):c.1992G>T (p.Glu664Asp)

Gene: PEX6 (peroxisomal biogenesis factor 6; minus strand). Cytogenetic location: 6p21.1.
Variant type: single nucleotide variant.
Coding change: c.1992G>T on transcript NM_000287.4 (MANE Select); coding-DNA position 1992, G replaced by T.
Protein change: p.Glu664Asp; replaces glutamic acid 664 with aspartic acid.
Molecular consequence: missense variant. On other transcripts: non-coding transcript variant (1).
Genome position (GRCh38, 1-based): chr6:42,966,627, C>A on the plus strand (G>T on the coding strand, the complement: PEX6 is on the minus strand). VCF-style: chr6-42966627-C-A. GRCh37 (hg19) VCF-style: chr6-42934365-C-A.
Other names: c.1728G>T, p.Glu576Asp (NM_001316313.2); short protein forms E576D, E664D.
Identifiers: ClinVar variation 1809724 (VCV001809724.1), dbSNP rs267608230, ClinGen allele CA364152881.
Genomic context (GRCh38, chr6:42,966,627, plus strand): 5'-CTCCAGTGCCTGCCCAAAGTCCTCAGCCAGGAGAGGAAAGCCGGCAGCACACAGCTCCCC[C>A]TCATCCTCCTCAGTCAAGCCACCTGCCAAACTGCAAAGAGGAACACAGGGAAGCCTCCTC-3'
Protein context (NP_000278.3, residues 654-674): GLAGGLTEED[Glu664Asp]GELCAAGFPL